The following is an entry in ClinVar:

NM_012434.5(SLC17A5):c.1087G>A (p.Val363Ile)

Gene: SLC17A5 (solute carrier family 17 member 5; minus strand). Cytogenetic location: 6q13.
Variant type: single nucleotide variant.
Coding change: c.1087G>A on transcript NM_012434.5 (MANE Select); coding-DNA position 1087, G replaced by A.
Protein change: p.Val363Ile; replaces valine 363 with isoleucine.
Molecular consequence: missense variant.
Genome position (GRCh38, 1-based): chr6:73,615,339, C>T on the plus strand (G>A on the coding strand, the complement: SLC17A5 is on the minus strand). VCF-style: chr6-73615339-C-T. GRCh37 (hg19) VCF-style: chr6-74325062-C-T.
Other names: c.856G>A, p.Val286Ile (NM_001382629.1); c.1087G>A, p.Val363Ile (NM_001382630.1, NM_001382633.1); c.1108G>A, p.Val370Ile (NM_001382631.1); c.1000G>A, p.Val334Ile (NM_001382632.1); c.928G>A, p.Val310Ile (NM_001382634.1); c.1084G>A, p.Val362Ile (NM_001382635.1); c.769G>A, p.Val257Ile (NM_001382636.1); short protein forms V257I, V286I, V310I, V334I, V363I, V370I, V362I.
Identifiers: ClinVar variation 1369954 (VCV001369954.8), dbSNP rs2150091513, ClinGen allele CA364712192.

ClinVar aggregate classification (germline): Uncertain significance (1 of 4 stars; one submission).

Conditions:
Salla disease (SD). Also called: Sialuria, Finnish type; N-acetylneuraminic acid (NANA) storage disease (NSD); Infantile sialic acid storage disorder (ISSD); Less Severe FSASD (Salla Disease). Identifiers: Orphanet 309334, Orphanet 834, MedGen C1096903, MONDO:0011449, OMIM 604369.

Submission:

Labcorp Genetics (formerly Invitae), Labcorp
Classification: Uncertain significance for Salla disease. Last evaluated: 2021-02-04. Review status: criteria provided, single submitter. Criteria: Invitae Variant Classification Sherloc (09022015). Collection method: clinical testing. Allele origin: germline.
Comment: This sequence change replaces valine with isoleucine at codon 363 of the SLC17A5 protein (p.Val363Ile). The valine residue is highly conserved and there is a small physicochemical difference between valine and isoleucine. This variant is not present in population databases (ExAC no frequency). This variant has not been reported in the literature in individuals with SLC17A5-related conditions. Algorithms developed to predict the effect of missense changes on protein structure and function are either unavailable or do not agree on the potential impact of this missense change (SIFT: "Deleterious"; PolyPhen-2: "Probably Damaging"; Align-GVGD: "Class C0"). In summary, the available evidence is currently insufficient to determine the role of this variant in disease. Therefore, it has been classified as a Variant of Uncertain Significance.